The following is an entry in ClinVar:

ClinVar aggregate classification (germline): Uncertain significance (1 of 4 stars; one submission).

Conditions:
Short-rib thoracic dysplasia 14 with polydactyly (SRTD14). Identifiers: Orphanet 397715, MedGen C4225286, MONDO:0014688, OMIM 616546.
Joubert syndrome 23 (JBTS23). Identifiers: Orphanet 475, MedGen C4084822, MONDO:0014664, OMIM 616490.

Allele frequency attached by ClinVar (database versions not stated): gnomAD exomes below 0.00001; gnomAD 0.00002; TOPMed 0.00005.
gnomAD v4.1: 6 of 1,535,426 alleles (0.00039%); highest among the groups gnomAD compares: Non-Finnish European, 0.00052%; no homozygotes.

Submission:

Labcorp Genetics (formerly Invitae), Labcorp
Classification: Uncertain significance for Joubert syndrome 23; Short-rib thoracic dysplasia 14 with polydactyly. Last evaluated: 2021-04-11. Review status: criteria provided, single submitter. Criteria: Invitae Variant Classification Sherloc (09022015). Collection method: clinical testing. Allele origin: germline.
Comment: This variant has not been reported in the literature in individuals with KIAA0586-related conditions. This sequence change replaces phenylalanine with leucine at codon 2 of the KIAA0586 protein (p.Phe2Leu). The phenylalanine residue is weakly conserved and there is a small physicochemical difference between phenylalanine and leucine. The frequency data for this variant in the population databases is considered unreliable, as metrics indicate insufficient coverage at this position in the ExAC database. Algorithms developed to predict the effect of missense changes on protein structure and function (SIFT, PolyPhen-2, Align-GVGD) all suggest that this variant is likely to be tolerated, but these predictions have not been confirmed by published functional studies and their clinical significance is uncertain. In summary, the available evidence is currently insufficient to determine the role of this variant in disease. Therefore, it has been classified as a Variant of Uncertain Significance.

NM_001244189.2(KIAA0586):c.4T>C (p.Phe2Leu)

Gene: KIAA0586 (KIAA0586; plus strand). Cytogenetic location: 14q23.1.
Variant type: single nucleotide variant.
Coding change: c.4T>C on transcript NM_001244189.2; coding-DNA position 4, T replaced by C.
Protein change: p.Phe2Leu; replaces phenylalanine 2 with leucine.
Molecular consequence: missense variant. On other transcripts: 5 prime UTR variant (3).
Genome position (GRCh38, 1-based): chr14:58,427,632, T>C. VCF-style: chr14-58427632-T-C. GRCh37 (hg19) VCF-style: chr14-58894350-T-C.
Other names: c.-44T>C (NM_001244190.2); c.-62T>C (NM_001244191.2, NM_001244192.2); short protein forms F2L.
Identifiers: ClinVar variation 1479396 (VCV001479396.8), dbSNP rs1251319519, ClinGen allele CA389858829.
Genomic context (GRCh38, chr14:58,427,632, plus strand): 5'-TGTTTCCACCCGGAGAGGAATGGAAGAGCACCAGAGAGCGCTTAGCTTTCTGGTTGGATG[T>C]TTTGGGTGAGTTTCTTGGCGCGCATGCGTGTTGTGTCTCAAGGGCGGGTTTGAAGGGAAG-3'